The following is an entry in ClinVar:

NM_001103.4(ACTN2):c.2154+19C>A

Gene: ACTN2 (actinin alpha 2; plus strand). Cytogenetic location: 1q43.
Variant type: single nucleotide variant.
Coding change: c.2154+19C>A on transcript NM_001103.4 (MANE Select); 19 bases into the intron after coding-DNA position 2154, C replaced by A.
Molecular consequence: intron variant.
Genome position (GRCh38, 1-based): chr1:236,755,217, C>A. VCF-style: chr1-236755217-C-A. GRCh37 (hg19) VCF-style: chr1-236918517-C-A.
Other names: c.1530+19C>A (NM_001278344.2); c.2154+19C>A (NM_001278343.2).
Identifiers: ClinVar variation 510698 (VCV000510698.5), dbSNP rs1484623448, ClinGen allele CA658795624.
Genomic context (GRCh38, chr1:236,755,217, plus strand): 5'-GCCCTTGTCTTTGACAACAAGCACACGAACTACACGATGGAGGTACGGCAGCCAGACAGG[C>A]GTGTGCCGCTCACTTCTCACGGGGACCATGCCACCTCCTCAGGGTGCTTTCTTCATGCAC-3'

ClinVar aggregate classification (germline): Likely benign. Review status: criteria provided, multiple submitters, no conflicts (2 of 4 stars). 3 submissions from 3 submitters: Likely benign (3). Last evaluated 2026-01-13.

Conditions:
Dilated cardiomyopathy 1AA (CMD1AA). Also called: CARDIOMYOPATHY, DILATED, 1AA, WITH OR WITHOUT LEFT VENTRICULAR NONCOMPACTION; CARDIOMYOPATHY, FAMILIAL HYPERTROPHIC, 23, WITH OR WITHOUT LEFT VENTRICULAR NONCOMPACTION; Cardiomyopathy, dilated, 1AA, with or without LVNC. Identifiers: Orphanet 154, MedGen C2677338, MONDO:0012808, OMIM 612158.
Primary familial hypertrophic cardiomyopathy (HCM). Identifiers: Orphanet 99739, MedGen C0949658, MeSH D024741, MONDO:0024573. Inheritance: Various modes of inheritance.

Allele frequency attached by ClinVar (database versions not stated): TOPMed 0.00001.
gnomAD v4.1: 9 of 1,613,962 alleles (0.00056%); highest among the groups gnomAD compares: African/African-American, 0.0013%; no homozygotes.

Submissions (3):

Labcorp Genetics (formerly Invitae), Labcorp
Classification: Likely benign for Primary familial hypertrophic cardiomyopathy; Dilated cardiomyopathy 1AA. Last evaluated: 2026-01-13. Review status: criteria provided, single submitter. Criteria: Invitae Variant Classification Sherloc (09022015). Collection method: clinical testing. Allele origin: germline.

Women's Health and Genetics/Laboratory Corporation of America, LabCorp
Classification: Likely benign. Last evaluated: 2025-03-08. Review status: criteria provided, single submitter. Criteria: LabCorp Variant Classification Summary - May 2015. Collection method: clinical testing. Allele origin: germline.

GeneDx
Classification: Likely benign. Last evaluated: 2017-07-11. Review status: criteria provided, single submitter. Criteria: GeneDx Variant Classification (06012015). Collection method: clinical testing. Allele origin: germline. Affected: yes.
Comment: This variant is considered likely benign or benign based on one or more of the following criteria: it is a conservative change, it occurs at a poorly conserved position in the protein, it is predicted to be benign by multiple in silico algorithms, and/or has population frequency not consistent with disease.